The following is an entry in ClinVar:

ClinVar aggregate classification (germline): Uncertain significance (1 of 4 stars; one submission).

Conditions:
DICER1-related tumor predisposition. Also called: DICER1 syndrome; DICER1-related pleuropulmonary blastoma cancer predisposition syndrome. Identifiers: Orphanet 284343, MedGen C3839822, MONDO:0100216.

Submission:

Labcorp Genetics (formerly Invitae), Labcorp
Classification: Uncertain significance for DICER1-related tumor predisposition. Last evaluated: 2022-10-12. Review status: criteria provided, single submitter. Criteria: Invitae Variant Classification Sherloc (09022015). Collection method: clinical testing. Allele origin: germline.
Comment: This variant is not present in population databases (gnomAD no frequency). In summary, the available evidence is currently insufficient to determine the role of this variant in disease. Therefore, it has been classified as a Variant of Uncertain Significance. Advanced modeling of protein sequence and biophysical properties (such as structural, functional, and spatial information, amino acid conservation, physicochemical variation, residue mobility, and thermodynamic stability) performed at Invitae indicates that this missense variant is not expected to disrupt DICER1 protein function. This variant has not been reported in the literature in individuals affected with DICER1-related conditions. This sequence change replaces glutamic acid, which is acidic and polar, with aspartic acid, which is acidic and polar, at codon 901 of the DICER1 protein (p.Glu901Asp).

NM_177438.3(DICER1):c.2703G>C (p.Glu901Asp)

Gene: DICER1 (dicer 1, ribonuclease III; minus strand). Cytogenetic location: 14q32.13.
Variant type: single nucleotide variant.
Coding change: c.2703G>C on transcript NM_177438.3 (MANE Select); coding-DNA position 2703, G replaced by C.
Protein change: p.Glu901Asp; replaces glutamic acid 901 with aspartic acid.
Molecular consequence: missense variant. On other transcripts: non-coding transcript variant (6).
Genome position (GRCh38, 1-based): chr14:95,107,709, C>G on the plus strand (G>C on the coding strand, the complement: DICER1 is on the minus strand). VCF-style: chr14-95107709-C-G. GRCh37 (hg19) VCF-style: chr14-95574046-C-G.
Other names: c.2703G>C, p.Glu901Asp (NM_001195573.1, NM_001271282.3, NM_001291628.2 and 13 more transcripts); c.2421G>C, p.Glu807Asp (NM_001395686.1); c.2298G>C, p.Glu766Asp (NM_001395687.1, NM_001395688.1, NM_001395689.1 and 2 more transcripts); c.2136G>C, p.Glu712Asp (NM_001395691.1); c.1020G>C, p.Glu340Asp (NM_001395697.1); short protein forms E340D, E712D, E766D, E807D, E901D.
Identifiers: ClinVar variation 1720980 (VCV001720980.6), dbSNP rs2542831246, ClinGen allele CA390879624.